The following is an entry in ClinVar:

ClinVar aggregate classification (germline): Uncertain significance (1 of 4 stars; one submission).

Conditions:
Hereditary spastic paraplegia 48. Also called: SPASTIC PARAPLEGIA 48, AUTOSOMAL RECESSIVE; Spastic paraplegia 48. Identifiers: Orphanet 306511, MedGen C3150901, MONDO:0013342, OMIM 613647.

gnomAD v4.1: 3 of 1,550,602 alleles (0.00019%); highest among the groups gnomAD compares: Admixed American, 0.0039%; no homozygotes.

Submission:

Labcorp Genetics (formerly Invitae), Labcorp
Classification: Uncertain significance for Hereditary spastic paraplegia 48. Last evaluated: 2023-08-04. Review status: criteria provided, single submitter. Criteria: Invitae Variant Classification Sherloc (09022015). Collection method: clinical testing. Allele origin: germline.
Comment: This variant is not present in population databases (gnomAD no frequency). This sequence change replaces leucine, which is neutral and non-polar, with valine, which is neutral and non-polar, at codon 176 of the AP5Z1 protein (p.Leu176Val). This variant has not been reported in the literature in individuals affected with AP5Z1-related conditions. In summary, the available evidence is currently insufficient to determine the role of this variant in disease. Therefore, it has been classified as a Variant of Uncertain Significance. Advanced modeling of protein sequence and biophysical properties (such as structural, functional, and spatial information, amino acid conservation, physicochemical variation, residue mobility, and thermodynamic stability) performed at Invitae indicates that this missense variant is not expected to disrupt AP5Z1 protein function. ClinVar contains an entry for this variant (Variation ID: 2195422).

NM_014855.3(AP5Z1):c.526C>G (p.Leu176Val)

Gene: AP5Z1 (adaptor related protein complex 5 subunit zeta 1; plus strand). Cytogenetic location: 7p22.1.
Variant type: single nucleotide variant.
Coding change: c.526C>G on transcript NM_014855.3 (MANE Select); coding-DNA position 526, C replaced by G.
Protein change: p.Leu176Val; replaces leucine 176 with valine.
Molecular consequence: missense variant. On other transcripts: non-coding transcript variant (1).
Genome position (GRCh38, 1-based): chr7:4,783,703, C>G. VCF-style: chr7-4783703-C-G. GRCh37 (hg19) VCF-style: chr7-4823334-C-G.
Other names: c.58C>G, p.Leu20Val (NM_001364858.1); short protein forms L176V, L20V.
Identifiers: ClinVar variation 2195422 (VCV002195422.4), dbSNP rs1276756817, ClinGen allele CA366659204.
Genomic context (GRCh38, chr7:4,783,703, plus strand): 5'-CTGTAGGATTCAACCTCACCTCCCCATGCCACCCCACCCACTGCAGACCAGGCCACCCTG[C>G]TCAGCAAGCGGCTGGTCGACTGGCTGCGCTACGCCAGCCTCCAGCAAGGGCTCCCACACT-3'
Protein context (NP_055670.1, residues 166-186): GTLQEDQATL[Leu176Val]SKRLVDWLRY